The following is an entry in ClinVar:

NM_001277115.2(DNAH11):c.13325C>G (p.Ala4442Gly)

Genes: CDCA7L (cell division cycle associated 7 like; minus strand), DNAH11 (dynein axonemal heavy chain 11; plus strand). Cytogenetic location: 7p15.3.
Variant type: single nucleotide variant.
Coding change: c.13325C>G on transcript NM_001277115.2 (MANE Select); coding-DNA position 13325, C replaced by G.
Protein change: p.Ala4442Gly; replaces alanine 4442 with glycine.
Molecular consequence: missense variant. On other transcripts: 3 prime UTR variant (3).
Genome position (GRCh38, 1-based): chr7:21,901,028, C>G. VCF-style: chr7-21901028-C-G. GRCh37 (hg19) VCF-style: chr7-21940646-C-G.
Other names: c.*1294G>C (NM_001127370.3, NM_001127371.3, NM_018719.5); short protein forms A4442G.
Identifiers: ClinVar variation 2001902 (VCV002001902.4), dbSNP rs576958149, ClinGen allele CA366956546.
Genomic context (GRCh38, chr7:21,901,028, plus strand): 5'-AGCTGCCACACAATTGCAACCGCTGTGTTTTTGCCATAGGCGCCCGCTGGGACACCCAAG[C>G]AGGAACCATTGTTGAAGCCCGTCTCAAGGAGCTGGCATGCCCTATGCCGGTCATCTTTGC-3'
Protein context (NP_001264044.1, residues 4432-4452): FMEGARWDTQ[Ala4442Gly]GTIVEARLKE

ClinVar aggregate classification (germline): Uncertain significance (1 of 4 stars; one submission).

Conditions:
Primary ciliary dyskinesia. Also called: Ciliary dyskinesia. Identifiers: Orphanet 244, MedGen C0008780, MONDO:0016575, HP:0012265.

Submission:

Labcorp Genetics (formerly Invitae), Labcorp
Classification: Uncertain significance for Primary ciliary dyskinesia. Last evaluated: 2022-06-02. Review status: criteria provided, single submitter. Criteria: Invitae Variant Classification Sherloc (09022015). Collection method: clinical testing. Allele origin: germline.
Comment: In summary, the available evidence is currently insufficient to determine the role of this variant in disease. Therefore, it has been classified as a Variant of Uncertain Significance. Advanced modeling of protein sequence and biophysical properties (such as structural, functional, and spatial information, amino acid conservation, physicochemical variation, residue mobility, and thermodynamic stability) performed at Invitae indicates that this missense variant is not expected to disrupt DNAH11 protein function. This variant has not been reported in the literature in individuals affected with DNAH11-related conditions. This variant is not present in population databases (gnomAD no frequency). This sequence change replaces alanine, which is neutral and non-polar, with glycine, which is neutral and non-polar, at codon 4442 of the DNAH11 protein (p.Ala4442Gly).